The following is an entry in ClinVar:

NC_000002.12:g.178605717T>C

Genes: TTN (titin; minus strand), TTN-AS1 (TTN antisense RNA 1; plus strand). Cytogenetic location: 2q31.2.
Variant type: single nucleotide variant.
Molecular consequence: intron variant (on NM_001267550.2).
Genome position: GRCh38 VCF-style: chr2-178605717-T-C. GRCh37 (hg19) VCF-style: chr2-179470444-T-C.
Other names: c.45878-4A>G (NM_133378.4); c.26387-4A>G (NM_003319.4); c.26963-4A>G (NM_133437.4); c.26762-4A>G (NM_133432.3); c.48659-4A>G (NM_001256850.1); c.53582-4A>G (NM_001267550.2).
Identifiers: ClinVar variation 332836 (VCV000332836.19), dbSNP rs772324772, ClinGen allele CA1993774.

ClinVar aggregate classification (germline): Conflicting classifications of pathogenicity. Review status: criteria provided, conflicting classifications (1 of 4 stars). 8 submissions from 4 submitters: Uncertain significance (4); Likely benign (4). Last evaluated 2025-08-11.

Conditions:
Dilated cardiomyopathy 1G (CMD1G). Identifiers: Orphanet 154, MedGen C1858763, MONDO:0011400, OMIM 604145.
Autosomal recessive limb-girdle muscular dystrophy type 2J (LGMDR10). Also called: MUSCULAR DYSTROPHY, LIMB-GIRDLE, AUTOSOMAL RECESSIVE 10; Limb-girdle muscular dystrophy, type 2J. Identifiers: Orphanet 140922, MedGen C1837342, MONDO:0012127, OMIM 608807.
Cardiovascular phenotype. Identifiers: MedGen CN230736.
Tibial muscular dystrophy (TMD). Also called: Udd Distal Myopathy – Tibial Muscular Dystrophy; UDD MYOPATHY; Tibial muscular dystrophy, tardive. Identifiers: Orphanet 609, MedGen C1838244, MONDO:0010870, OMIM 600334.
Early-onset myopathy with fatal cardiomyopathy (CMYO5). Also called: CONGENITAL MYOPATHY 5 WITH CARDIOMYOPATHY; Salih Myopathy. Identifiers: Orphanet 289377, MedGen C2673677, MONDO:0012714, OMIM 611705. Disease mechanism: loss of function.
Myopathy, myofibrillar, 9, with early respiratory failure (MFM9). Also called: Myopathy, distal, with early respiratory failure, autosomal dominant; Hereditary myopathy with early respiratory failure; EDSTROM MYOPATHY; MYOPATHY, PROXIMAL, WITH EARLY RESPIRATORY MUSCLE INVOLVEMENT. Identifiers: Orphanet 178464, Orphanet 34521, MedGen C1863599, MONDO:0011362, OMIM 603689.

Allele frequency attached by ClinVar (database versions not stated): gnomAD exomes 0.00001; ExAC 0.00002; TOPMed 0.00002; gnomAD 0.00003.
gnomAD v4.1: 17 of 1,479,770 alleles (0.0011%); highest among the groups gnomAD compares: African/African-American, 0.0028%; no homozygotes.

Submissions (8):

Labcorp Genetics (formerly Invitae), Labcorp
Classification: Likely benign for Dilated cardiomyopathy 1G; Autosomal recessive limb-girdle muscular dystrophy type 2J. Last evaluated: 2025-08-11. Review status: criteria provided, single submitter. Criteria: Invitae Variant Classification Sherloc (09022015). Collection method: clinical testing. Allele origin: germline.

Ambry Genetics
Classification: Likely benign for Cardiovascular phenotype. Last evaluated: 2024-05-29. Review status: criteria provided, single submitter. Criteria: Ambry Variant Classification Scheme 2023. Collection method: clinical testing. Allele origin: germline.

Illumina Laboratory Services, Illumina
Classification: Uncertain significance for Dilated cardiomyopathy 1G. Last evaluated: 2018-01-12. Review status: criteria provided, single submitter. Criteria: ICSL Variant Classification Criteria 13 December 2019. Collection method: clinical testing. Allele origin: germline.

Illumina Laboratory Services, Illumina
Classification: Likely benign for Myopathy, myofibrillar, 9, with early respiratory failure. Last evaluated: 2018-01-12. Review status: criteria provided, single submitter. Criteria: ICSL Variant Classification Criteria 13 December 2019. Collection method: clinical testing. Allele origin: germline.
Comment: This variant was observed in the ICSL laboratory as part of a predisposition screen in an ostensibly healthy population. It had not been previously curated by ICSL or reported in the Human Gene Mutation Database (HGMD: prior to June 1st, 2018), and was therefore a candidate for classification through an automated scoring system. Utilizing variant allele frequency, disease prevalence and penetrance estimates, and inheritance mode, an automated score was calculated to assess if this variant is too frequent to cause the disease. Based on the score and internal cut-off values, a variant classified as likely benign is not then subjected to further curation. The score for this variant resulted in a classification of likely benign for this disease.

Illumina Laboratory Services, Illumina
Classification: Uncertain significance for Autosomal recessive limb-girdle muscular dystrophy type 2J. Last evaluated: 2018-01-12. Review status: criteria provided, single submitter. Criteria: ICSL Variant Classification Criteria 13 December 2019. Collection method: clinical testing. Allele origin: germline.

Illumina Laboratory Services, Illumina
Classification: Likely benign for Tibial muscular dystrophy. Last evaluated: 2018-01-12. Review status: criteria provided, single submitter. Criteria: ICSL Variant Classification Criteria 13 December 2019. Collection method: clinical testing. Allele origin: germline.
Comment: the same text as in the submission from Illumina Laboratory Services, Illumina above.

Illumina Laboratory Services, Illumina
Classification: Uncertain significance for Early-onset myopathy with fatal cardiomyopathy. Last evaluated: 2018-01-12. Review status: criteria provided, single submitter. Criteria: ICSL Variant Classification Criteria 13 December 2019. Collection method: clinical testing. Allele origin: germline.

Eurofins Ntd Llc (ga)
Classification: Uncertain significance. Last evaluated: 2017-10-09. Review status: criteria provided, single submitter. Criteria: EGL Classification Definitions 2015. Collection method: clinical testing. Allele origin: germline. Observed: 2 variant alleles, 2 heterozygotes.